The following is an entry in ClinVar:

ClinVar aggregate classification (germline): Uncertain significance. Review status: criteria provided, multiple submitters, no conflicts (2 of 4 stars). 2 submissions from 2 submitters: Uncertain significance (2). Last evaluated 2026-07-01.

Conditions:
Glycogen storage disease, type II (IOPD). Also called: POMPE DISEASE, INFANTILE-ONSET; GLYCOGEN STORAGE DISEASE II, INFANTILE-ONSET; ACID ALPHA-GLUCOSIDASE DEFICIENCY, INFANTILE-ONSET; GAA DEFICIENCY, INFANTILE-ONSET; ACID MALTASE DEFICIENCY, INFANTILE-ONSET; Glucosidase acid-1,4-alpha deficiency. Identifiers: Orphanet 365, MedGen C0017921, MONDO:0009290, OMIM 232300.

Submissions (2):

Genomenon, Inc
Classification: Uncertain significance for Glycogen storage disease, type II. Last evaluated: 2026-07-01. Review status: criteria provided, single submitter. Criteria: Genomenon Sequence Variant Interpretation Standards - Updated. Collection method: curation. Allele origin: germline. Affected: no.
Comment: GAA p.Leu632Pro (c.1895T>C) is a missense variant that changes the amino acid at codon 632 from Leucine to Proline. This variant has been reported in the published literature (PMID:31342611;33560568). It is absent or not present at a significant frequency in gnomAD. In silico models predict that this variant is possibly or probably damaging. In conclusion, we classify GAA p.Leu632Pro (c.1895T>C) as a variant of uncertain significance.

Labcorp Genetics (formerly Invitae), Labcorp
Classification: Uncertain significance for Glycogen storage disease, type II. Last evaluated: 2025-06-20. Review status: criteria provided, single submitter. Criteria: Invitae Variant Classification Sherloc (09022015). Collection method: clinical testing. Allele origin: germline.
Comment: This sequence change replaces leucine, which is neutral and non-polar, with proline, which is neutral and non-polar, at codon 632 of the GAA protein (p.Leu632Pro). This variant is not present in population databases (gnomAD no frequency). This variant has not been reported in the literature in individuals affected with GAA-related conditions. ClinVar contains an entry for this variant (Variation ID: 1896168). Invitae Evidence Modeling of protein sequence and biophysical properties (such as structural, functional, and spatial information, amino acid conservation, physicochemical variation, residue mobility, and thermodynamic stability) indicates that this missense variant is expected to disrupt GAA protein function with a positive predictive value of 95%. In summary, the available evidence is currently insufficient to determine the role of this variant in disease. Therefore, it has been classified as a Variant of Uncertain Significance.

Literature cited by the submitters: PubMed 31342611 (cited by Genomenon, Inc); PubMed 33560568 (cited by Genomenon, Inc).

NM_000152.5(GAA):c.1895T>C (p.Leu632Pro)

Gene: GAA (alpha glucosidase; plus strand). Cytogenetic location: 17q25.3.
Variant type: single nucleotide variant.
Coding change: c.1895T>C on transcript NM_000152.5 (MANE Select); coding-DNA position 1895, T replaced by C.
Protein change: p.Leu632Pro; replaces leucine 632 with proline.
Molecular consequence: missense variant.
Genome position (GRCh38, 1-based): chr17:80,112,882, T>C. VCF-style: chr17-80112882-T-C. GRCh37 (hg19) VCF-style: chr17-78086681-T-C.
Other names: c.1895T>C, p.Leu632Pro (NM_001079803.3, NM_001079804.3, NM_001406741.1 and 1 more transcripts); short protein forms L632P.
Identifiers: ClinVar variation 1896168 (VCV001896168.6), dbSNP rs1598585402, ClinGen allele CA401369836.